The following is an entry in ClinVar:

ClinVar aggregate classification (germline): Uncertain significance (1 of 4 stars; one submission).

Conditions:
Left ventricular noncompaction 1 (LVNC1). Also called: LEFT VENTRICULAR NONCOMPACTION 1 WITH OR WITHOUT CONGENITAL HEART DEFECTS. Identifiers: Orphanet 54260, MedGen C1858725, MONDO:0011403, OMIM 604169.

Allele frequency attached by ClinVar (database versions not stated): TOPMed 0.00001.

Submission:

Labcorp Genetics (formerly Invitae), Labcorp
Classification: Uncertain significance for Left ventricular noncompaction 1. Last evaluated: 2022-05-05. Review status: criteria provided, single submitter. Criteria: Invitae Variant Classification Sherloc (09022015). Collection method: clinical testing. Allele origin: germline.
Comment: Algorithms developed to predict the effect of missense changes on protein structure and function are either unavailable or do not agree on the potential impact of this missense change (SIFT: "Deleterious"; PolyPhen-2: "Possibly Damaging"; Align-GVGD: "Class C0"). This variant has not been reported in the literature in individuals affected with DTNA-related conditions. This variant is not present in population databases (gnomAD no frequency). This sequence change replaces serine, which is neutral and polar, with cysteine, which is neutral and slightly polar, at codon 366 of the DTNA protein (p.Ser366Cys). In summary, the available evidence is currently insufficient to determine the role of this variant in disease. Therefore, it has been classified as a Variant of Uncertain Significance.

NM_001386795.1(DTNA):c.1178C>G (p.Ser393Cys)

Gene: DTNA (dystrobrevin alpha; plus strand). Cytogenetic location: 18q12.1.
Variant type: single nucleotide variant.
Coding change: c.1178C>G on transcript NM_001386795.1 (MANE Select); coding-DNA position 1178, C replaced by G.
Protein change: p.Ser393Cys; replaces serine 393 with cysteine.
Molecular consequence: missense variant. On other transcripts: intron variant (32).
Genome position (GRCh38, 1-based): chr18:34,838,096, C>G. VCF-style: chr18-34838096-C-G. GRCh37 (hg19) VCF-style: chr18-32418060-C-G.
Other names: c.1086-10200C>G (NM_001386766.1, NM_001386767.1, NM_001386753.1 and 13 more transcripts); c.336-10200C>G (NM_001198943.1); c.221+8607C>G (NM_001198944.1); c.132-10200C>G (NM_032981.5); c.224C>G, p.Ser75Cys (NM_001198942.1); c.1178C>G, p.Ser393Cys (NM_001386788.1); c.1097C>G, p.Ser366Cys (NM_001390.5, NM_001391.5); c.1088C>G, p.Ser363Cys (NM_032978.7); and 4 more; short protein forms S363C, S366C, S393C, S45C, S75C.
Identifiers: ClinVar variation 2052700 (VCV002052700.4), dbSNP rs1047183838, ClinGen allele CA297776658.
Genomic context (GRCh38, chr18:34,838,096, plus strand): 5'-ATTCTTGAATGCATTGCCGTGTTTACGCTCTTCTTGGCTTTCCCATCTTATTAACTAGCT[C>G]TCCTCCCAAGGACAGTGAAGTAGAGCAGAACAAACTGCTGGCTAGGGCTGCTCCAGCTTT-3'
Protein context (NP_001373724.1, residues 383-403): YVNQLDHGAR[Ser393Cys]PPKDSEVEQN